The following is an entry in ClinVar:

ClinVar aggregate classification (germline): Uncertain significance. Review status: criteria provided, multiple submitters, no conflicts (2 of 4 stars). 3 submissions from 3 submitters: Uncertain significance (3). Last evaluated 2023-07-17.

Conditions:
Inborn genetic diseases. Identifiers: MedGen C0950123, MeSH D030342.

Allele frequency attached by ClinVar (database versions not stated): gnomAD exomes below 0.00001; ExAC 0.00001; TOPMed 0.00001.

Submissions (3):

Labcorp Genetics (formerly Invitae), Labcorp
Classification: Uncertain significance. Last evaluated: 2023-07-17. Review status: criteria provided, single submitter. Criteria: Invitae Variant Classification Sherloc (09022015). Collection method: clinical testing. Allele origin: germline.
Comment: This variant has not been reported in the literature in individuals affected with CERKL-related conditions. ClinVar contains an entry for this variant (Variation ID: 1386362). Advanced modeling of protein sequence and biophysical properties (such as structural, functional, and spatial information, amino acid conservation, physicochemical variation, residue mobility, and thermodynamic stability) performed at Invitae indicates that this missense variant is not expected to disrupt CERKL protein function. In summary, the available evidence is currently insufficient to determine the role of this variant in disease. Therefore, it has been classified as a Variant of Uncertain Significance. This variant is present in population databases (rs764785302, gnomAD 0.003%). This sequence change replaces isoleucine, which is neutral and non-polar, with valine, which is neutral and non-polar, at codon 73 of the CERKL protein (p.Ile73Val).

Ambry Genetics
Classification: Uncertain significance for Inborn genetic diseases. Last evaluated: 2022-06-29. Review status: criteria provided, single submitter. Criteria: Ambry Variant Classification Scheme 2023. Collection method: clinical testing. Allele origin: germline.

Blueprint Genetics
Classification: Uncertain significance. Last evaluated: 2019-12-05. Review status: criteria provided, single submitter. Criteria: ACMG Guidelines, 2015. Collection method: clinical testing. Allele origin: germline.

NM_201548.5(CERKL):c.217A>G (p.Ile73Val)

Genes: CERKL (CERK like autophagy regulator; minus strand), LOC129935214 (ATAC-STARR-seq lymphoblastoid silent region 12157; plus strand). Cytogenetic location: 2q31.3.
Variant type: single nucleotide variant.
Coding change: c.217A>G on transcript NM_201548.5 (MANE Select); coding-DNA position 217, A replaced by G.
Protein change: p.Ile73Val; replaces isoleucine 73 with valine.
Molecular consequence: missense variant. On other transcripts: non-coding transcript variant (2).
Genome position (GRCh38, 1-based): chr2:181,656,790, T>C on the plus strand (A>G on the coding strand, the complement: CERKL is on the minus strand). VCF-style: chr2-181656790-T-C. GRCh37 (hg19) VCF-style: chr2-182521517-T-C.
Other names: c.217A>G, p.Ile73Val (NM_001030311.3, NM_001030312.3, NM_001030313.3 and 1 more transcripts); c.217A>G (NM_001030311.2); short protein forms I73V.
Identifiers: ClinVar variation 1386362 (VCV001386362.7), dbSNP rs764785302, ClinGen allele CA2010920.
Genomic context (GRCh38, chr2:181,656,790, plus strand): 5'-CGCGGAGGGAGGCGAAGACGCTTGGGGCCGGGCACTCACCCGCCGGGCGCTCGGGCTGAA[T>C]GGGCCGCCACCGCAGTGCTCGCTCGCTCAGCACCACGTCACAACTGTCCCTCCCGATCTC-3'
Protein context (NP_963842.1, residues 63-83): LSERALRWRP[Ile73Val]QPERPAGDSK